The following is an entry in ClinVar:

NM_000027.4(AGA):c.428A>G (p.Asn143Ser)

Gene: AGA (aspartylglucosaminidase; minus strand). Cytogenetic location: 4q34.3.
Variant type: single nucleotide variant.
Coding change: c.428A>G on transcript NM_000027.4 (MANE Select); coding-DNA position 428, A replaced by G.
Protein change: p.Asn143Ser; replaces asparagine 143 with serine.
Molecular consequence: missense variant. On other transcripts: non-coding transcript variant (1).
Genome position (GRCh38, 1-based): chr4:177,438,824, T>C on the plus strand (A>G on the coding strand, the complement: AGA is on the minus strand). VCF-style: chr4-177438824-T-C. GRCh37 (hg19) VCF-style: chr4-178359978-T-C.
Other names: c.428A>G, p.Asn143Ser (NM_001171988.2); c.428A>G (NM_000027.3); short protein forms N143S.
Identifiers: ClinVar variation 2187502 (VCV002187502.4), dbSNP rs144349742, ClinGen allele CA3146915.

ClinVar aggregate classification (germline): Uncertain significance. Review status: criteria provided, multiple submitters, no conflicts (2 of 4 stars). 2 submissions from 2 submitters: Uncertain significance (2). Last evaluated 2025-02-06.

Conditions:
Inborn genetic diseases. Identifiers: MedGen C0950123, MeSH D030342.
Aspartylglucosaminuria (AGU). Also called: AGA DEFICIENCY; GLYCOASPARAGINASE; GLYCOSYLASPARAGINASE DEFICIENCY; Aspartylglucos-aminuria; Aspartylglucos-amidase (AGA) deficiency. Identifiers: Orphanet 93, MedGen C0268225, MONDO:0008830, OMIM 208400, HP:0012068.

Allele frequency attached by ClinVar (database versions not stated): TOPMed 0.00005; ExAC 0.00006; gnomAD 0.00007; ESP Exome Variant Server 0.00008; gnomAD exomes 0.00009.
gnomAD v4.1: 141 of 1,609,290 alleles (0.0088%); highest among the groups gnomAD compares: East Asian, 0.26%; 1 homozygote.

Submissions (2):

Ambry Genetics
Classification: Uncertain significance for Inborn genetic diseases. Last evaluated: 2025-02-06. Review status: criteria provided, single submitter. Criteria: Ambry Variant Classification Scheme 2023. Collection method: clinical testing. Allele origin: germline.
Comment: The p.N143S variant (also known as c.428A>G), located in coding exon 4 of the AGA gene, results from an A to G substitution at nucleotide position 428. The asparagine at codon 143 is replaced by serine, an amino acid with highly similar properties. This amino acid position is conserved. In addition, this alteration is predicted to be tolerated by in silico analysis. Based on the available evidence, the clinical significance of this variant remains unclear.

Labcorp Genetics (formerly Invitae), Labcorp
Classification: Uncertain significance for Aspartylglucosaminuria. Last evaluated: 2024-10-29. Review status: criteria provided, single submitter. Criteria: Invitae Variant Classification Sherloc (09022015). Collection method: clinical testing. Allele origin: germline.
Comment: This sequence change replaces asparagine, which is neutral and polar, with serine, which is neutral and polar, at codon 143 of the AGA protein (p.Asn143Ser). This variant is present in population databases (rs144349742, gnomAD 0.03%). This variant has not been reported in the literature in individuals affected with AGA-related conditions. ClinVar contains an entry for this variant (Variation ID: 2187502). Invitae Evidence Modeling of protein sequence and biophysical properties (such as structural, functional, and spatial information, amino acid conservation, physicochemical variation, residue mobility, and thermodynamic stability) indicates that this missense variant is not expected to disrupt AGA protein function with a negative predictive value of 95%. In summary, the available evidence is currently insufficient to determine the role of this variant in disease. Therefore, it has been classified as a Variant of Uncertain Significance.